The following is an entry in ClinVar:

ClinVar aggregate classification (germline): Conflicting classifications of pathogenicity. Review status: criteria provided, conflicting classifications (1 of 4 stars). 15 submissions from 15 submitters: Uncertain significance (12); Likely benign (1). 2 of the submissions do not count toward it. Last evaluated 2025-11-09.

Conditions:
VHL-related disorder. Also called: VHL-related condition.
Hereditary cancer. Identifiers: MedGen C1333600.
Hereditary cancer-predisposing syndrome. Also called: Neoplastic Syndromes, Hereditary; Tumor predisposition; Hereditary Cancer Syndrome; Hereditary neoplastic syndrome. Identifiers: Orphanet 140162, MedGen C0027672, MeSH D009386, MONDO:0015356.
Chuvash polycythemia. Also called: POLYCYTHEMIA, VHL-DEPENDENT. Identifiers: Orphanet 238557, MedGen C1837915, MONDO:0009892, OMIM 263400.
Von Hippel-Lindau syndrome (VHLS). Also called: Von Hippel-Lindau; VHL syndrome; von Hippel–Lindau syndrome. Identifiers: Orphanet 892, MedGen C0019562, MONDO:0008667, OMIM 193300. Disease mechanism: loss of function.
Nonpapillary renal cell carcinoma. Identifiers: Orphanet 422526, MedGen CN074294, MONDO:0007763, OMIM 144700.
Pheochromocytoma. Also called: MAX-Related Hereditary Paraganglioma-Pheochromocytoma Syndrome. Identifiers: Orphanet 29072, MedGen C0031511, MONDO:0008233, OMIM 171300, HP:0002666.

Allele frequency attached by ClinVar (database versions not stated): TOPMed 0.00001; ExAC 0.00002; gnomAD exomes 0.00002 and 0.00003; gnomAD 0.00003; 1000 Genomes Project 30x 0.00016; 1000 Genomes Project 0.00020.
gnomAD v4.1: 43 of 1,614,198 alleles (0.0027%); highest among the groups gnomAD compares: Non-Finnish European, 0.0034%; no homozygotes.

Submissions (15):

Labcorp Genetics (formerly Invitae), Labcorp
Classification: Uncertain significance for Von Hippel-Lindau syndrome; Chuvash polycythemia. Last evaluated: 2025-11-09. Review status: criteria provided, single submitter. Criteria: Invitae Variant Classification Sherloc (09022015). Collection method: clinical testing. Allele origin: germline.
Comment: This sequence change replaces tyrosine, which is neutral and polar, with cysteine, which is neutral and slightly polar, at codon 185 of the VHL protein (p.Tyr185Cys). This variant is present in population databases (rs561874453, gnomAD 0.004%). This missense change has been observed in individual(s) with clear cell renal cell carcinoma (PMID: 25583177). ClinVar contains an entry for this variant (Variation ID: 223232). Invitae Evidence Modeling of protein sequence and biophysical properties (such as structural, functional, and spatial information, amino acid conservation, physicochemical variation, residue mobility, and thermodynamic stability) indicates that this missense variant is expected to disrupt VHL protein function with a positive predictive value of 95%. In summary, the available evidence is currently insufficient to determine the role of this variant in disease. Therefore, it has been classified as a Variant of Uncertain Significance.

PreventionGenetics, part of Exact Sciences
Classification: Uncertain significance for VHL-related condition. Last evaluated: 2025-09-27. Review status: criteria provided, single submitter. Criteria: ACMG Guidelines, 2015. Collection method: clinical testing. Allele origin: germline.
Comment: The VHL c.554A>G variant is predicted to result in the amino acid substitution p.Tyr185Cys. This variant has been reported in an individual with clear cell renal carcinoma (Table S4, Germline, Beuselinck et al. 2015. PubMed ID: 25583177). It has been also been reported in a glioblastoma tumor specimen (Table S2, Xiu et al. 2016. PubMed ID: 26933808). This variant is reported in 0.0046% of alleles in individuals of European (Non-Finnish) descent in gnomAD and has conflicting interpretations in ClinVar, ranging from uncertain significance to likely benign (Variation ID: 223232). At this time, the clinical significance of this variant is uncertain due to the absence of conclusive functional and genetic evidence.

Mendelics
Classification: Uncertain significance for Hereditary cancer. Last evaluated: 2025-02-26. Review status: criteria provided, single submitter. Criteria: ACMG Guidelines, 2015. Collection method: clinical testing. Allele origin: unknown.
Comment: The available evidence is insufficient to conclusively determine the role of this variant. Therefore, it is classified as a Variant of Uncertain Significance.

ARUP Laboratories, Molecular Genetics and Genomics, ARUP Laboratories
Classification: Uncertain significance. Last evaluated: 2024-09-27. Review status: criteria provided, single submitter. Criteria: ARUP Molecular Germline Variant Investigation Process 2024. Collection method: clinical testing. Allele origin: germline.
Comment: The VHL c.554A>G; p.Tyr185Cys variant (rs561874453; ClinVar Variation ID: 223232) is reported in the literature in the germline of an individual with a clear cell renal carcinoma (Beuselinck 2015). This variant is observed in the general population with an overall allele frequency of 0.002% (6/282836 alleles) in the Genome Aggregation Database (v2.1.1). Computational analyses are uncertain whether this variant is neutral or deleterious (REVEL: 0.632). Due to limited information, the clinical significance of this variant is uncertain at this time. References: Beuselinck B et al. Molecular subtypes of clear cell renal cell carcinoma are associated with sunitinib response in the metastatic setting. Clin Cancer Res. 2015 Mar 15;21(6):1329-39. PMID: 25583177.

GeneDx
Classification: Uncertain significance. Last evaluated: 2024-09-04. Review status: criteria provided, single submitter. Criteria: GeneDx Variant Classification Process June 2021. Collection method: clinical testing. Allele origin: germline. Affected: yes.
Comment: In silico analysis supports that this missense variant has a deleterious effect on protein structure/function; Observed in an individual with clear cell renal cell carcinoma (PMID: 25583177); This variant is associated with the following publications: (PMID: 26933808, 25583177)

Quest Diagnostics Nichols Institute San Juan Capistrano
Classification: Uncertain significance. Last evaluated: 2024-08-01. Review status: criteria provided, single submitter. Criteria: Quest Diagnostics criteria. Collection method: clinical testing. Allele origin: unknown.

All of Us Research Program, National Institutes of Health
Classification: Uncertain significance for Von Hippel-Lindau syndrome. Last evaluated: 2024-07-29. Review status: criteria provided, single submitter. Criteria: ACMG Guidelines, 2015. Collection method: clinical testing. Allele origin: germline. Inheritance: Autosomal dominant inheritance. Observed: 11 variant alleles, 11 heterozygotes.
Comment: This missense variant replaces tyrosine with cysteine at codon 185 of the VHL protein. Computational prediction is inconclusive regarding the impact of this variant on protein structure and function (internally defined REVEL score threshold 0.5 < inconclusive < 0.7, PMID: 27666373). To our knowledge, functional studies have not been reported for this variant. This variant has been identified in an individual affected with clear-cell renal cell carcinoma (PMID: 25583177). This variant has been identified in 6/282836 chromosomes in the general population by the Genome Aggregation Database (gnomAD). The available evidence is insufficient to determine the role of this variant in disease conclusively. Therefore, this variant is classified as a Variant of Uncertain Significance.

This study involves interpretation of variants in research participants for the purpose of population health screening. Participant phenotype was not available at the time of variant classification. Additional details can be found in publication PMID: 35346344, PMCID: PMC8962531

Color Diagnostics, LLC DBA Color Health
Classification: Uncertain significance for Von Hippel-Lindau syndrome. Last evaluated: 2024-06-26. Review status: criteria provided, single submitter. Criteria: ACMG Guidelines, 2015. Collection method: clinical testing. Allele origin: germline.
Comment: This missense variant replaces tyrosine with cysteine at codon 185 of the VHL protein. Computational prediction is inconclusive regarding the impact of this variant on protein structure and function. To our knowledge, functional studies have not been reported for this variant. This variant has been identified in an individual affected with clear-cell renal cell carcinoma (PMID: 25583177). This variant has been identified in 6/282836 chromosomes in the general population by the Genome Aggregation Database (gnomAD). The available evidence is insufficient to determine the role of this variant in disease conclusively. Therefore, this variant is classified as a Variant of Uncertain Significance.

Baylor Genetics
Classification: Uncertain significance for Chuvash polycythemia. Last evaluated: 2023-10-06. Review status: criteria provided, single submitter. Criteria: ACMG Guidelines, 2015. Collection method: clinical testing. Allele origin: unknown.

Ambry Genetics
Classification: Likely benign for Hereditary cancer-predisposing syndrome. Last evaluated: 2022-08-18. Review status: criteria provided, single submitter. Criteria: Ambry Variant Classification Scheme 2023. Collection method: clinical testing. Allele origin: germline.

Fulgent Genetics
Classification: Uncertain significance for Nonpapillary renal cell carcinoma; Pheochromocytoma; Von Hippel-Lindau syndrome; Chuvash polycythemia. Last evaluated: 2022-02-01. Review status: criteria provided, single submitter. Criteria: ACMG Guidelines, 2015. Collection method: clinical testing. Allele origin: unknown.

Sema4
Classification: Uncertain significance for Hereditary cancer-predisposing syndrome. Last evaluated: 2022-01-25. Review status: criteria provided, single submitter. Criteria: Sema4 Curation Guidelines. Collection method: curation. Allele origin: germline.
Comment: The VHL c.554A>G (p.Y185C) variant has been reported in at least one individual with clear cell renal cell carcinoma (PMID: 25583177). It was observed in 6/129170 chromosomes of the Non-Finnish European subpopulation in the large and broad cohorts of the Genome Aggregation Database (PMID: 32461654). The variant has been reported in ClinVar (Variation ID 223232). Functional studies have not been performed, and in silico predictions of the variant's effect on protein function are inconclusive. The evidence is insufficient to meet ACMG/AMP criteria for classifying the variant as benign or pathogenic. Thus, the clinical significance of this variant is currently uncertain.

Blueprint Genetics
Classification: Uncertain significance. Last evaluated: 2020-05-08. Review status: criteria provided, single submitter. Criteria: ACMG Guidelines, 2015. Collection method: clinical testing. Allele origin: germline.

Counsyl
Classification: Uncertain significance for Von Hippel-Lindau syndrome. Last evaluated: 2018-05-22. Review status: no assertion criteria provided. Collection method: clinical testing. Allele origin: unknown. Not counted in ClinVar's aggregate classification.

Genomic Diagnostic Laboratory, Division of Genomic Diagnostics, Children's Hospital of Philadelphia
Classification: Uncertain significance for Von Hippel-Lindau syndrome. Last evaluated: 2016-02-26. Review status: no assertion criteria provided. Collection method: clinical testing. Allele origin: germline. Affected: yes. Observed: 1 variant allele. Not counted in ClinVar's aggregate classification.

Literature cited by the submitters: PubMed 25583177 (cited by 6 submitters); PubMed 33151962 (cited by Quest Diagnostics Nichols Institute San Juan Capistrano); PubMed 38332991 (cited by Quest Diagnostics Nichols Institute San Juan Capistrano); PubMed 38969834 (cited by Quest Diagnostics Nichols Institute San Juan Capistrano); PubMed 26933808 (cited by Quest Diagnostics Nichols Institute San Juan Capistrano).

NM_000551.4(VHL):c.554A>G (p.Tyr185Cys)

Genes: VHL (von Hippel-Lindau tumor suppressor; plus strand), LOC107303340 (3p25 von Hippel-Lindau tumor suppressor, E3 ubiquitin protein ligase Alu-mediated recombination region; plus strand). Cytogenetic location: 3p25.3.
Variant type: single nucleotide variant.
Coding change: c.554A>G on transcript NM_000551.4 (MANE Select); coding-DNA position 554, A replaced by G.
Protein change: p.Tyr185Cys; replaces tyrosine 185 with cysteine.
Molecular consequence: missense variant. On other transcripts: 3 prime UTR variant (1).
Genome position (GRCh38, 1-based): chr3:10,149,877, A>G. VCF-style: chr3-10149877-A-G. GRCh37 (hg19) VCF-style: chr3-10191561-A-G.
Other names: c.*108A>G (NM_001354723.2); c.431A>G, p.Tyr144Cys (NM_198156.3); short protein forms Y185C, Y144C.
Identifiers: ClinVar variation 223232 (VCV000223232.31), dbSNP rs561874453, ClinGen allele CA041601.